The following is an entry in ClinVar:

ClinVar aggregate classification (germline): Uncertain significance. Review status: criteria provided, single submitter (1 of 4 stars). 2 submissions from 2 submitters: Uncertain significance (1). 1 of the submissions does not count toward it. Last evaluated 2022-01-15.

Conditions:
Lysosomal acid lipase deficiency. Also called: Acid cholesteryl ester hydrolase deficiency, type 2. Identifiers: Orphanet 275761, MedGen C5574740, MONDO:0800449, MONDO:0010204.
Wolman disease (WOLD). Also called: LYSOSOMAL ACID LIPASE DEFICIENCY, ACUTE INFANTILE; LYSOSOMAL ACID LIPASE DEFICIENCY, COMPLETE; LIPA DEFICIENCY, COMPLETE; LAL DEFICIENCY, COMPLETE; CHOLESTEROL ESTER HYDROLASE DEFICIENCY, COMPLETE; Infantile-Onset LAL-D (Wolman Disease). Identifiers: Orphanet 75233, MedGen C0043208, MONDO:0019148, OMIM 620151.

Allele frequency attached by ClinVar (database versions not stated): gnomAD exomes 0.00002 and 0.00003; gnomAD below 0.00001 and 0.00001; ExAC 0.00002.
gnomAD v4.1: 41 of 1,590,702 alleles (0.0026%); highest among the groups gnomAD compares: South Asian, 0.023%; 1 homozygote.

Submissions (2):

Labcorp Genetics (formerly Invitae), Labcorp
Classification: Uncertain significance for Wolman disease. Last evaluated: 2022-01-15. Review status: criteria provided, single submitter. Criteria: Invitae Variant Classification Sherloc (09022015). Collection method: clinical testing. Allele origin: germline.
Comment: This sequence change replaces proline, which is neutral and non-polar, with histidine, which is basic and polar, at codon 47 of the LIPA protein (p.Pro47His). This variant is present in population databases (rs775608408, gnomAD 0.01%). This variant has not been reported in the literature in individuals affected with LIPA-related conditions. ClinVar contains an entry for this variant (Variation ID: 1039425). Algorithms developed to predict the effect of missense changes on protein structure and function are either unavailable or do not agree on the potential impact of this missense change (SIFT: "Deleterious"; PolyPhen-2: "Probably Damaging"; Align-GVGD: "Class C0"). In summary, the available evidence is currently insufficient to determine the role of this variant in disease. Therefore, it has been classified as a Variant of Uncertain Significance.

Natera, Inc.
Classification: Uncertain significance for Lysosomal acid lipase deficiency. Last evaluated: 2021-07-15. Review status: no assertion criteria provided. Collection method: clinical testing. Allele origin: germline. Not counted in ClinVar's aggregate classification.

NM_000235.4(LIPA):c.140C>A (p.Pro47His)

Gene: LIPA (lipase A, lysosomal acid type; minus strand). Cytogenetic location: 10q23.31.
Variant type: single nucleotide variant.
Coding change: c.140C>A on transcript NM_000235.4 (MANE Select); coding-DNA position 140, C replaced by A.
Protein change: p.Pro47His; replaces proline 47 with histidine.
Molecular consequence: missense variant. On other transcripts: intron variant (1).
Genome position (GRCh38, 1-based): chr10:89,245,765, G>T on the plus strand (C>A on the coding strand, the complement: LIPA is on the minus strand). VCF-style: chr10-89245765-G-T. GRCh37 (hg19) VCF-style: chr10-91005522-G-T.
Other names: c.140C>A, p.Pro47His (NM_001127605.3); c.-120+5972C>A (NM_001288979.2); short protein forms P47H.
Identifiers: ClinVar variation 1039425 (VCV001039425.8), dbSNP rs775608408, ClinGen allele CA5593801.